The following is an entry in ClinVar:

NM_000228.3(LAMB3):c.2933G>C (p.Gly978Ala)

Gene: LAMB3 (laminin subunit beta 3; minus strand). Cytogenetic location: 1q32.2.
Variant type: single nucleotide variant.
Coding change: c.2933G>C on transcript NM_000228.3 (MANE Select); coding-DNA position 2933, G replaced by C.
Protein change: p.Gly978Ala; replaces glycine 978 with alanine.
Molecular consequence: missense variant.
Genome position (GRCh38, 1-based): chr1:209,618,025, C>G on the plus strand (G>C on the coding strand, the complement: LAMB3 is on the minus strand). VCF-style: chr1-209618025-C-G. GRCh37 (hg19) VCF-style: chr1-209791370-C-G.
Other names: c.2933G>C, p.Gly978Ala (NM_001017402.2, NM_001127641.1); short protein forms G978A.
Identifiers: ClinVar variation 295075 (VCV000295075.19), dbSNP rs138748613, ClinGen allele CA1375040.

ClinVar aggregate classification (germline): Conflicting classifications of pathogenicity. Review status: criteria provided, conflicting classifications (1 of 4 stars). 5 submissions from 5 submitters: Uncertain significance (1); Likely benign (3). 1 of the submissions does not count toward it. Last evaluated 2026-01-31.

Conditions:
LAMB3-related disorder. Also called: LAMB3-related condition.
Inborn genetic diseases. Identifiers: MedGen C0950123, MeSH D030342.
Junctional epidermolysis bullosa. Identifiers: Orphanet 305, MedGen C0079301, MONDO:0017612.

Allele frequency attached by ClinVar (database versions not stated): 1000 Genomes Project 30x 0.00094; gnomAD 0.00100 and 0.00102; gnomAD exomes 0.00031 and 0.00133; TOPMed 0.00071; ExAC 0.00087; 1000 Genomes Project 0.00120.
gnomAD v4.1: 606 of 1,614,170 alleles (0.038%); highest among the groups gnomAD compares: Admixed American, 0.94%; 2 homozygotes.

Submissions (5):

Labcorp Genetics (formerly Invitae), Labcorp
Classification: Likely benign. Last evaluated: 2026-01-31. Review status: criteria provided, single submitter. Criteria: Invitae Variant Classification Sherloc (09022015). Collection method: clinical testing. Allele origin: germline.

Ambry Genetics
Classification: Uncertain significance for Inborn genetic diseases. Last evaluated: 2024-09-02. Review status: criteria provided, single submitter. Criteria: Ambry Variant Classification Scheme 2023. Collection method: clinical testing. Allele origin: germline.

Illumina Laboratory Services, Illumina
Classification: Likely benign for Junctional epidermolysis bullosa. Last evaluated: 2018-01-13. Review status: criteria provided, single submitter. Criteria: ICSL Variant Classification Criteria 13 December 2019. Collection method: clinical testing. Allele origin: germline.
Comment: This variant was observed in the ICSL laboratory as part of a predisposition screen in an ostensibly healthy population. It had not been previously curated by ICSL or reported in the Human Gene Mutation Database (HGMD: prior to June 1st, 2018), and was therefore a candidate for classification through an automated scoring system. Utilizing variant allele frequency, disease prevalence and penetrance estimates, and inheritance mode, an automated score was calculated to assess if this variant is too frequent to cause the disease. Based on the score and internal cut-off values, a variant classified as likely benign is not then subjected to further curation. The score for this variant resulted in a classification of likely benign for this disease.

Breakthrough Genomics
Classification: Likely benign. Review status: criteria provided, single submitter. Criteria: ACMG Guidelines, 2015. Collection method: not provided. Allele origin: germline. Inheritance: Autosomal recessive inheritance. Affected: yes.

PreventionGenetics, part of Exact Sciences
Classification: Benign for LAMB3-related condition. Last evaluated: 2019-12-09. Review status: no assertion criteria provided. Collection method: clinical testing. Allele origin: germline. Not counted in ClinVar's aggregate classification.
Comment: This variant is classified as benign based on ACMG/AMP sequence variant interpretation guidelines (Richards et al. 2015 PMID: 25741868, with internal and published modifications).